The following is an entry in ClinVar:

NM_177559.3(CSNK2A1):c.221A>G (p.Lys74Arg)

Gene: CSNK2A1 (casein kinase 2 alpha 1; minus strand). Cytogenetic location: 20p13.
Variant type: single nucleotide variant.
Coding change: c.221A>G on transcript NM_177559.3 (MANE Select); coding-DNA position 221, A replaced by G.
Protein change: p.Lys74Arg; replaces lysine 74 with arginine.
Molecular consequence: missense variant. On other transcripts: 5 prime UTR variant (1).
Genome position (GRCh38, 1-based): chr20:499,927, T>C on the plus strand (A>G on the coding strand, the complement: CSNK2A1 is on the minus strand). VCF-style: chr20-499927-T-C. GRCh37 (hg19) VCF-style: chr20-480571-T-C.
Other names: c.221A>G, p.Lys74Arg (NM_001362770.2, NM_001362771.2, NM_001895.4); c.-188A>G (NM_177560.3); short protein forms K74R.
Identifiers: ClinVar variation 2572903 (VCV002572903.1), dbSNP rs2514662608, ClinGen allele CA407937786.
Genomic context (GRCh38, chr20:499,927, plus strand): 5'-ATGTTGGGACCTCCTCTCAAATTCTCCAAAATCTTTATTTCACGCTTAATTTTCTTCTTT[T>C]TTACTGGCTGAAAGGGGAAAAGTACATCAGCAAAAAAAAAAAAAAAAAATTTTTTCAGAG-3'
Protein context (NP_808227.1, residues 64-84): KVVVKILKPV[Lys74Arg]KKKIKREIKI

ClinVar aggregate classification (germline): Uncertain significance (1 of 4 stars; one submission).

Submission:

GeneDx
Classification: Uncertain significance. Last evaluated: 2023-01-16. Review status: criteria provided, single submitter. Criteria: GeneDx Variant Classification Process June 2021. Collection method: clinical testing. Allele origin: germline. Affected: yes.
Comment: Not observed at significant frequency in large population cohorts (gnomAD); In silico analysis supports that this missense variant has a deleterious effect on protein structure/function; Has not been previously published as pathogenic or benign to our knowledge; In silico analysis suggests this variant may impact gene splicing. In the absence of RNA/functional studies, the actual effect of this sequence change is unknown.